The following is an entry in ClinVar:

NM_001083614.2(EARS2):c.485+109G>A

Gene: EARS2 (glutamyl-tRNA synthetase 2, mitochondrial; minus strand). Cytogenetic location: 16p12.2.
Variant type: single nucleotide variant.
Coding change: c.485+109G>A on transcript NM_001083614.2 (MANE Select); 109 bases into the intron after coding-DNA position 485, G replaced by A.
Molecular consequence: intron variant.
Genome position (GRCh38, 1-based): chr16:23,544,405, C>T on the plus strand (G>A on the coding strand, the complement: EARS2 is on the minus strand). VCF-style: chr16-23544405-C-T. GRCh37 (hg19) VCF-style: chr16-23555726-C-T.
Other names: c.485+109G>A (NM_001308211.1).
Identifiers: ClinVar variation 676118 (VCV000676118.2), dbSNP rs2369009, ClinGen allele CA14243476.

ClinVar aggregate classification (germline): Benign. Review status: criteria provided, multiple submitters, no conflicts (2 of 4 stars). 2 submissions from 2 submitters: Benign (2). Last evaluated 2018-06-14.

Allele frequency attached by ClinVar (database versions not stated): 1000 Genomes Project 30x 0.67395; 1000 Genomes Project 0.67572; TOPMed 0.71979; gnomAD 0.72561 and 0.72596; gnomAD exomes 0.79133.
gnomAD v4.1: 896,712 of 1,146,926 alleles (78%); highest among the groups gnomAD compares: Non-Finnish European, 81%; 353,310 homozygotes.

Submissions (2):

GeneDx
Classification: Benign. Last evaluated: 2018-06-14. Review status: criteria provided, single submitter. Criteria: GeneDx Variant Classification (06012015). Collection method: clinical testing. Allele origin: germline. Affected: yes.
Comment: This variant is considered likely benign or benign based on one or more of the following criteria: it is a conservative change, it occurs at a poorly conserved position in the protein, it is predicted to be benign by multiple in silico algorithms, and/or has population frequency not consistent with disease.

Breakthrough Genomics
Classification: Benign. Review status: criteria provided, single submitter. Criteria: ACMG Guidelines, 2015. Collection method: not provided. Allele origin: germline. Inheritance: Autosomal recessive inheritance. Affected: yes.